The following is an entry in ClinVar:

NM_031935.3(HMCN1):c.13039+6G>A

Gene: HMCN1 (hemicentin 1; plus strand). Cytogenetic location: 1q31.1.
Variant type: single nucleotide variant.
Coding change: c.13039+6G>A on transcript NM_031935.3 (MANE Select); 6 bases into the intron after coding-DNA position 13039, G replaced by A.
Molecular consequence: intron variant.
Genome position (GRCh38, 1-based): chr1:186,130,106, G>A. VCF-style: chr1-186130106-G-A. GRCh37 (hg19) VCF-style: chr1-186099238-G-A.
Identifiers: ClinVar variation 2014081 (VCV002014081.4), dbSNP rs758604199, ClinGen allele CA2580061693.

ClinVar aggregate classification (germline): Uncertain significance (1 of 4 stars; one submission).

gnomAD v4.1: 1 of 1,612,976 alleles (0.000062%); no homozygotes.

Submission:

Labcorp Genetics (formerly Invitae), Labcorp
Classification: Uncertain significance. Last evaluated: 2024-05-29. Review status: criteria provided, single submitter. Criteria: Invitae Variant Classification Sherloc (09022015). Collection method: clinical testing. Allele origin: germline.
Comment: This sequence change falls in intron 84 of the HMCN1 gene. It does not directly change the encoded amino acid sequence of the HMCN1 protein. It affects a nucleotide within the consensus splice site. This variant is not present in population databases (gnomAD no frequency). This variant has not been reported in the literature in individuals affected with HMCN1-related conditions. ClinVar contains an entry for this variant (Variation ID: 2014081). Variants that disrupt the consensus splice site are a relatively common cause of aberrant splicing (PMID: 17576681, 9536098). Algorithms developed to predict the effect of sequence changes on RNA splicing suggest that this variant is not likely to affect RNA splicing. In summary, the available evidence is currently insufficient to determine the role of this variant in disease. Therefore, it has been classified as a Variant of Uncertain Significance.

Literature cited by the submitters: PubMed 17576681; PubMed 9536098.